The following is an entry in ClinVar:

NM_054027.6(ANKH):c.1287C>A (p.Gly429=)

Genes: ANKH (ANKH inorganic pyrophosphate transport regulator; minus strand), OTULIN (OTU deubiquitinase with linear linkage specificity; plus strand), LOC100130744 (uncharacterized LOC100130744; plus strand). Cytogenetic location: 5p15.2.
Variant type: single nucleotide variant.
Coding change: c.1287C>A on transcript NM_054027.6 (MANE Select); coding-DNA position 1287, C replaced by A.
Protein change: p.Gly429=; no amino-acid change (glycine 429 retained).
Molecular consequence: synonymous variant. On other transcripts: non-coding transcript variant (1).
Genome position (GRCh38, 1-based): chr5:14,712,952, G>T on the plus strand (C>A on the coding strand, the complement: ANKH is on the minus strand). VCF-style: chr5-14712952-G-T. GRCh37 (hg19) VCF-style: chr5-14713061-G-T.
Identifiers: ClinVar variation 1186471 (VCV001186471.8), dbSNP rs751152024, ClinGen allele CA114716490.
Genomic context (GRCh38, chr5:14,712,952, plus strand): 5'-GCACGCAGCGATGGCGACCATGGTGGATTCTCCCACAAAGCCCGCCAGGAGGGAGCCCAC[G>T]CCCAGGGTCGCACCGTGCACCCTGCAGATGAGAACACAAAGGCAATTTGTCTGTTAAGGC-3'
Protein context (NP_473368.1, residues 419-439): PYLGVHGATL[Gly429=]VGSLLAGFVG

ClinVar aggregate classification (germline): Likely benign. Review status: criteria provided, multiple submitters, no conflicts (2 of 4 stars). 3 submissions from 3 submitters: Likely benign (3). Last evaluated 2026-05-13.

gnomAD v4.1: 16 of 1,613,088 alleles (0.00099%); highest among the groups gnomAD compares: Non-Finnish European, 0.0014%; no homozygotes.

Submissions (3):

Women's Health and Genetics/Laboratory Corporation of America, LabCorp
Classification: Likely benign. Last evaluated: 2026-05-13. Review status: criteria provided, single submitter. Criteria: LabCorp Variant Classification Summary - May 2015. Collection method: clinical testing. Allele origin: germline.
Comment: Variant summary: ANKH c.1287C>A results in a synonymous change. Consensus agreement among computation tools predict no significant impact on normal splicing. However, these predictions have yet to be confirmed by functional studies. The variant allele was found at a frequency of 4e-06 in 247708 control chromosomes. The available data on variant occurrences in the general population are insufficient to allow any conclusion about variant significance. To our knowledge, no occurrence of c.1287C>A in individuals affected with ANKH-related conditions and no experimental evidence demonstrating its impact on protein function have been reported. ClinVar contains an entry for this variant (Variation ID: 1186471). Based on the evidence outlined above, the variant was classified as likely benign.

Labcorp Genetics (formerly Invitae), Labcorp
Classification: Likely benign. Last evaluated: 2024-07-03. Review status: criteria provided, single submitter. Criteria: Invitae Variant Classification Sherloc (09022015). Collection method: clinical testing. Allele origin: germline.

GeneDx
Classification: Likely benign. Last evaluated: 2020-05-15. Review status: criteria provided, single submitter. Criteria: GeneDx Variant Classification Process June 2021. Collection method: clinical testing. Allele origin: germline. Affected: yes.